The following is an entry in ClinVar:

ClinVar aggregate classification (germline): Uncertain significance. Review status: criteria provided, multiple submitters, no conflicts (2 of 4 stars). 2 submissions from 2 submitters: Uncertain significance (2). Last evaluated 2024-04-17.

Conditions:
Benign neonatal seizures. Also called: Benign familial neonatal seizures; Benign neonatal familial convulsions; Convulsions benign familial neonatal dominant form; Autosomal dominant form of benign neonatal seizures; Benign familial neonatal epilepsy. Identifiers: Orphanet 1949, MedGen C0220669, MONDO:0016027.

Allele frequency attached by ClinVar (database versions not stated): gnomAD exomes below 0.00001.
gnomAD v4.1: 1 of 1,613,832 alleles (0.000062%); highest among the groups gnomAD compares: Non-Finnish European, 0.000085%; no homozygotes.

Submissions (2):

GeneDx
Classification: Uncertain significance. Last evaluated: 2024-04-17. Review status: criteria provided, single submitter. Criteria: GeneDx Variant Classification Process June 2021. Collection method: clinical testing. Allele origin: germline.
Comment: Not observed at significant frequency in large population cohorts (gnomAD); In silico analysis supports that this missense variant has a deleterious effect on protein structure/function; Has not been previously published as pathogenic or benign to our knowledge

Labcorp Genetics (formerly Invitae), Labcorp
Classification: Uncertain significance for Benign neonatal seizures. Last evaluated: 2023-11-06. Review status: criteria provided, single submitter. Criteria: Invitae Variant Classification Sherloc (09022015). Collection method: clinical testing. Allele origin: germline.
Comment: This sequence change replaces alanine, which is neutral and non-polar, with valine, which is neutral and non-polar, at codon 397 of the KCNQ3 protein (p.Ala397Val). This variant is present in population databases (no rsID available, gnomAD 0.0009%). This variant has not been reported in the literature in individuals affected with KCNQ3-related conditions. ClinVar contains an entry for this variant (Variation ID: 2500591). Advanced modeling of protein sequence and biophysical properties (such as structural, functional, and spatial information, amino acid conservation, physicochemical variation, residue mobility, and thermodynamic stability) performed at Invitae indicates that this missense variant is not expected to disrupt KCNQ3 protein function with a negative predictive value of 80%. In summary, the available evidence is currently insufficient to determine the role of this variant in disease. Therefore, it has been classified as a Variant of Uncertain Significance.

NM_004519.4(KCNQ3):c.1190C>T (p.Ala397Val)

Gene: KCNQ3 (potassium voltage-gated channel subfamily Q member 3; minus strand). Cytogenetic location: 8q24.22.
Variant type: single nucleotide variant.
Coding change: c.1190C>T on transcript NM_004519.4 (MANE Select); coding-DNA position 1190, C replaced by T.
Protein change: p.Ala397Val; replaces alanine 397 with valine.
Molecular consequence: missense variant.
Genome position (GRCh38, 1-based): chr8:132,170,379, G>A on the plus strand (C>T on the coding strand, the complement: KCNQ3 is on the minus strand). VCF-style: chr8-132170379-G-A. GRCh37 (hg19) VCF-style: chr8-133182626-G-A.
Other names: c.830C>T, p.Ala277Val (NM_001204824.2); short protein forms A277V, A397V.
Identifiers: ClinVar variation 2500591 (VCV002500591.5), dbSNP rs1420105071, ClinGen allele CA372289685.